The following is an entry in ClinVar:

NM_001128425.2(MUTYH):c.184C>G (p.Pro62Ala)

Gene: MUTYH (mutY DNA glycosylase; minus strand). Cytogenetic location: 1p34.1.
Variant type: single nucleotide variant.
Coding change: c.184C>G on transcript NM_001128425.2 (MANE Plus Clinical); coding-DNA position 184, C replaced by G.
Protein change: p.Pro62Ala; replaces proline 62 with alanine.
Molecular consequence: missense variant. On other transcripts: intron variant (24).
Genome position (GRCh38, 1-based): chr1:45,333,577, G>C on the plus strand (C>G on the coding strand, the complement: MUTYH is on the minus strand). VCF-style: chr1-45333577-G-C. GRCh37 (hg19) VCF-style: chr1-45799249-G-C.
Other names: c.133C>G, p.Pro45Ala (NM_001293191.2, NM_001407077.1); c.175C>G, p.Pro59Ala (NM_001407069.1, NM_012222.3); c.16C>G, p.Pro6Ala (NM_001407075.1); c.142C>G, p.Pro48Ala (NM_001407083.1, NM_001407085.1); c.116-16C>G (NM_001407072.1, NM_001048171.2, NM_001407070.1 and 7 more transcripts); c.-92-80C>G (NM_001350651.2, NM_001407082.1); c.-97-80C>G (NM_001293192.2, NM_001293196.2, NM_001407091.1); c.-156-16C>G (NM_001350650.2); and 4 more; short protein forms P45A, P48A, P59A, P62A, P6A.
Identifiers: ClinVar variation 3233032 (VCV003233032.4), dbSNP rs1279830238, ClinGen allele CA340136775.

ClinVar aggregate classification (germline): Conflicting classifications of pathogenicity. Review status: criteria provided, conflicting classifications (1 of 4 stars). 2 submissions from 2 submitters: Uncertain significance (1); Likely benign (1). Last evaluated 2026-08-12.

Conditions:
Familial adenomatous polyposis 2. Also called: COLORECTAL ADENOMATOUS POLYPOSIS, AUTOSOMAL RECESSIVE; ADENOMAS, MULTIPLE COLORECTAL, AUTOSOMAL RECESSIVE; MYH-associated polyposis; FAP type 2; MUTYH-related attenuated familial adenomatous polyposis; MUTYH-associated polyposis. Identifiers: Orphanet 220460, Orphanet 247798, MedGen C3272841, MONDO:0012041, OMIM 608456.
Hereditary cancer-predisposing syndrome. Also called: Neoplastic Syndromes, Hereditary; Tumor predisposition; Hereditary Cancer Syndrome; Hereditary neoplastic syndrome. Identifiers: Orphanet 140162, MedGen C0027672, MeSH D009386, MONDO:0015356.

Submissions (2):

Ambry Genetics
Classification: Likely benign for Hereditary cancer-predisposing syndrome. Last evaluated: 2026-08-12. Review status: criteria provided, single submitter. Criteria: Ambry Variant Classification Scheme 2023. Collection method: clinical testing. Allele origin: germline.

Labcorp Genetics (formerly Invitae), Labcorp
Classification: Uncertain significance for Familial adenomatous polyposis 2. Last evaluated: 2025-03-02. Review status: criteria provided, single submitter. Criteria: Invitae Variant Classification Sherloc (09022015). Collection method: clinical testing. Allele origin: germline.
Comment: This sequence change replaces proline, which is neutral and non-polar, with alanine, which is neutral and non-polar, at codon 62 of the MUTYH protein (p.Pro62Ala). This variant is present in population databases (no rsID available, gnomAD 0.0009%). This variant has not been reported in the literature in individuals affected with MUTYH-related conditions. ClinVar contains an entry for this variant (Variation ID: 3233032). An algorithm developed to predict the effect of missense changes on protein structure and function (PolyPhen-2) suggests that this variant is likely to be tolerated. In summary, the available evidence is currently insufficient to determine the role of this variant in disease. Therefore, it has been classified as a Variant of Uncertain Significance.